The following is an entry in ClinVar:

ClinVar aggregate classification (germline): Uncertain significance (1 of 4 stars; one submission).

Conditions:
Periodic fever-infantile enterocolitis-autoinflammatory syndrome. Also called: Autoinflammation with infantile enterocolitis. Identifiers: Orphanet 436166, MedGen C4015067, MONDO:0014472, OMIM 616050.
Familial cold autoinflammatory syndrome 4 (FCAS4). Identifiers: Orphanet 47045, Orphanet 576349, MedGen C4015276, MONDO:0014498, OMIM 616115.

Submission:

Labcorp Genetics (formerly Invitae), Labcorp
Classification: Uncertain significance for Periodic fever-infantile enterocolitis-autoinflammatory syndrome; Familial cold autoinflammatory syndrome 4. Last evaluated: 2024-03-04. Review status: criteria provided, single submitter. Criteria: Invitae Variant Classification Sherloc (09022015). Collection method: clinical testing. Allele origin: germline.
Comment: This sequence change replaces aspartic acid, which is acidic and polar, with histidine, which is basic and polar, at codon 1009 of the NLRC4 protein (p.Asp1009His). This variant is not present in population databases (gnomAD no frequency). This variant has not been reported in the literature in individuals affected with NLRC4-related conditions. Advanced modeling of protein sequence and biophysical properties (such as structural, functional, and spatial information, amino acid conservation, physicochemical variation, residue mobility, and thermodynamic stability) performed at Invitae indicates that this missense variant is not expected to disrupt NLRC4 protein function with a negative predictive value of 80%. In summary, the available evidence is currently insufficient to determine the role of this variant in disease. Therefore, it has been classified as a Variant of Uncertain Significance.

NM_001199138.2(NLRC4):c.3025G>C (p.Asp1009His)

Gene: NLRC4 (NLR family CARD domain containing 4; minus strand). Cytogenetic location: 2p22.3.
Variant type: single nucleotide variant.
Coding change: c.3025G>C on transcript NM_001199138.2 (MANE Select); coding-DNA position 3025, G replaced by C.
Protein change: p.Asp1009His; replaces aspartic acid 1009 with histidine.
Molecular consequence: missense variant.
Genome position (GRCh38, 1-based): chr2:32,224,523, C>G on the plus strand (G>C on the coding strand, the complement: NLRC4 is on the minus strand). VCF-style: chr2-32224523-C-G. GRCh37 (hg19) VCF-style: chr2-32449592-C-G.
Other names: c.3025G>C, p.Asp1009His (NM_001199139.2, NM_021209.5); c.1030G>C, p.Asp344His (NM_001302504.2); short protein forms D1009H, D344H.
Identifiers: ClinVar variation 3755107 (VCV003755107.2).